The following is an entry in ClinVar:

NM_020964.3(EPG5):c.7627G>A (p.Ala2543Thr)

Gene: EPG5 (ectopic P-granules 5 autophagy tethering factor; minus strand). Cytogenetic location: 18q12.3.
Variant type: single nucleotide variant.
Coding change: c.7627G>A on transcript NM_020964.3 (MANE Select); coding-DNA position 7627, G replaced by A.
Protein change: p.Ala2543Thr; replaces alanine 2543 with threonine.
Molecular consequence: missense variant.
Genome position (GRCh38, 1-based): chr18:45,852,580, C>T on the plus strand (G>A on the coding strand, the complement: EPG5 is on the minus strand). VCF-style: chr18-45852580-C-T. GRCh37 (hg19) VCF-style: chr18-43432545-C-T.
Other names: short protein forms A2543T.
Identifiers: ClinVar variation 1006910 (VCV001006910.7), dbSNP rs1172390303, ClinGen allele CA402335344.

ClinVar aggregate classification (germline): Uncertain significance (1 of 4 stars; one submission).

Conditions:
Vici syndrome (VICIS). Identifiers: Orphanet 1493, MedGen C1855772, MONDO:0009452, OMIM 242840.

Allele frequency attached by ClinVar (database versions not stated): gnomAD exomes below 0.00001; TOPMed 0.00001.
gnomAD v4.1: 5 of 1,614,160 alleles (0.00031%); highest among the groups gnomAD compares: East Asian, 0.0045%; 1 homozygote.

Submission:

Labcorp Genetics (formerly Invitae), Labcorp
Classification: Uncertain significance for Vici syndrome. Last evaluated: 2021-08-26. Review status: criteria provided, single submitter. Criteria: Invitae Variant Classification Sherloc (09022015). Collection method: clinical testing. Allele origin: germline.
Comment: This sequence change replaces alanine with threonine at codon 2543 of the EPG5 protein (p.Ala2543Thr). The alanine residue is highly conserved and there is a small physicochemical difference between alanine and threonine. This variant is not present in population databases (ExAC no frequency). This variant has not been reported in the literature in individuals affected with EPG5-related conditions. Algorithms developed to predict the effect of missense changes on protein structure and function are either unavailable or do not agree on the potential impact of this missense change (SIFT: "Deleterious"; PolyPhen-2: "Probably Damaging"; Align-GVGD: "Class C0"). In summary, the available evidence is currently insufficient to determine the role of this variant in disease. Therefore, it has been classified as a Variant of Uncertain Significance.